The following is an entry in ClinVar:

NR_003051.3(RMRP):n.-22_-12dupTACTCTGTGAA

Gene: RMRP (RNA component of mitochondrial RNA processing endoribonuclease; minus strand). Cytogenetic location: 9p13.3.
Variant type: Duplication.
Genome position: GRCh38 VCF-style: chr9-35658029-C-CTTCACAGAGTA. GRCh37 (hg19) VCF-style: chr9-35658026-C-CTTCACAGAGTA.
Identifiers: ClinVar variation 4817178 (VCV004817178.1).

ClinVar aggregate classification (germline): Likely pathogenic (1 of 4 stars; one submission).

Conditions:
Metaphyseal chondrodysplasia, McKusick type (CHH). Also called: Cartilage-hair hypoplasia; Cartilage-Hair Hypoplasia (CHH). Identifiers: Orphanet 175, MedGen C0220748, MONDO:0009595, OMIM 250250.

Submission:

Natera, Inc.
Classification: Likely pathogenic for Cartilage-hair hypoplasia. Last evaluated: 2024-09-23. Review status: criteria provided, single submitter. Criteria: Natera Variant Classification Schema (03/2026). Collection method: clinical testing. Allele origin: germline.
Comment: The n.-22_-12dupTACTCTGTGAA variant in RMRP is a duplication affecting the RMRP promoter region between the TATA box and the transcription initiation site. Other duplications and insertions just upstream of the transcription initiation site have been reported in individuals affected with cartilage-hair hypoplasia (PMID: 11207361, 17937437). This variant is rare in the general population with a frequency below the threshold expected for the associated phenotype(s). Given the available evidence, this variant is classified as Likely pathogenic.

Literature cited by the submitters: PubMed 11207361; PubMed 17937437.